The following is an entry in ClinVar:

ClinVar aggregate classification (germline): Uncertain significance. Review status: criteria provided, single submitter (1 of 4 stars). 2 submissions from 2 submitters: Uncertain significance (1). 1 of the submissions does not count toward it. Last evaluated 2022-07-30.

Conditions:
TTC21B-related disorder. Also called: TTC21B-related disorders; TTC21B-related condition.
Nephronophthisis. Also called: Juvenile Nephronophthisis. Identifiers: Orphanet 655, MedGen C0687120, MONDO:0019005, HP:0000090.
Jeune thoracic dystrophy. Also called: Short-rib thoracic dysplasia; Jeune syndrome; Infantile thoracic dystrophy; Thoracic pelvic phalangeal dystrophy; Jeune's syndrome; Chondroectodermal dysplasia-like syndrome. Identifiers: Orphanet 474, MedGen C0265275, MONDO:0018770.

Allele frequency attached by ClinVar (database versions not stated): TOPMed below 0.00001; ExAC 0.00002; gnomAD exomes 0.00002 and 0.00003; ESP Exome Variant Server 0.00008.
gnomAD v4.1: 49 of 1,613,102 alleles (0.003%); highest among the groups gnomAD compares: Middle Eastern, 0.017%; no homozygotes.

Submissions (2):

Labcorp Genetics (formerly Invitae), Labcorp
Classification: Uncertain significance for Jeune thoracic dystrophy; Nephronophthisis. Last evaluated: 2022-07-30. Review status: criteria provided, single submitter. Criteria: Invitae Variant Classification Sherloc (09022015). Collection method: clinical testing. Allele origin: germline.
Comment: This sequence change replaces tyrosine, which is neutral and polar, with cysteine, which is neutral and slightly polar, at codon 255 of the TTC21B protein (p.Tyr255Cys). This variant is present in population databases (rs377061787, gnomAD 0.006%). This variant has not been reported in the literature in individuals affected with TTC21B-related conditions. ClinVar contains an entry for this variant (Variation ID: 1396879). Algorithms developed to predict the effect of missense changes on protein structure and function are either unavailable or do not agree on the potential impact of this missense change (SIFT: "Deleterious"; PolyPhen-2: "Possibly Damaging"; Align-GVGD: "Class C0"). In summary, the available evidence is currently insufficient to determine the role of this variant in disease. Therefore, it has been classified as a Variant of Uncertain Significance.

PreventionGenetics, part of Exact Sciences
Classification: Uncertain significance for TTC21B-related condition. Last evaluated: 2024-07-17. Review status: no assertion criteria provided. Collection method: clinical testing. Allele origin: germline. Not counted in ClinVar's aggregate classification.
Comment: The TTC21B c.764A>G variant is predicted to result in the amino acid substitution p.Tyr255Cys. This variant was reported on the same allele as c.711G>T in an individual with Bardet-Biedl syndrome (Davis et al 2011. PubMed ID: 21258341). This variant is reported in 0.0058% of alleles in individuals of Latino descent in gnomAD. At this time, the clinical significance of this variant is uncertain due to the absence of conclusive functional and genetic evidence.

NM_024753.5(TTC21B):c.764A>G (p.Tyr255Cys)

Gene: TTC21B (tetratricopeptide repeat domain 21B; minus strand). Cytogenetic location: 2q24.3.
Variant type: single nucleotide variant.
Coding change: c.764A>G on transcript NM_024753.5 (MANE Select); coding-DNA position 764, A replaced by G.
Protein change: p.Tyr255Cys; replaces tyrosine 255 with cysteine.
Molecular consequence: missense variant.
Genome position (GRCh38, 1-based): chr2:165,933,004, T>C on the plus strand (A>G on the coding strand, the complement: TTC21B is on the minus strand). VCF-style: chr2-165933004-T-C. GRCh37 (hg19) VCF-style: chr2-166789514-T-C.
Other names: c.764A>G (NM_024753.4); short protein forms Y255C.
Identifiers: ClinVar variation 1396879 (VCV001396879.9), dbSNP rs377061787, ClinGen allele CA1942346.